The following is an entry in ClinVar:

NM_138694.4(PKHD1):c.11763dup (p.Glu3922fs)

Gene: PKHD1 (PKHD1 ciliary IPT domain containing fibrocystin/polyductin; minus strand). Cytogenetic location: 6p12.3.
Variant type: Duplication.
Coding change: c.11763dup on transcript NM_138694.4 (MANE Select); coding-DNA position 11763, one base duplicated (A; older notation c.11763dupA).
Protein change: p.Glu3922fs; shifts the reading frame from glutamic acid 3922.
Molecular consequence: frameshift variant.
Genome position (GRCh38, 1-based): chr6:51,627,019, T duplicated on the plus strand (A on the coding strand, the reverse complement: PKHD1 is on the minus strand); the first of 6 consecutive T bases (chr6:51,627,019-51,627,024); duplicating any one gives the same sequence. VCF-style (leftmost placement, unchanged base first): chr6-51627018-C-CT. GRCh37 (hg19) VCF-style: chr6-51491816-C-CT.
Other names: short protein forms E3922fs.
Identifiers: ClinVar variation 4816558 (VCV004816558.1).

ClinVar aggregate classification (germline): Likely pathogenic (1 of 4 stars; one submission).

Conditions:
Autosomal recessive polycystic kidney disease (ARPKD). Also called: AR polycystic kidney disease. Identifiers: Orphanet 731, Orphanet 8378, MedGen C0085548, MeSH D017044, MONDO:0009889.

Submission:

Natera, Inc.
Classification: Likely pathogenic for Autosomal recessive polycystic kidney disease. Last evaluated: 2025-08-04. Review status: criteria provided, single submitter. Criteria: Natera Variant Classification Schema (03/2026). Collection method: clinical testing. Allele origin: germline.
Comment: The c.11763dup variant in PKHD1 is a frameshift variant predicted to shift the reading frame beginning at codon 3922 and leads to a stop codon 35 codons downstream. This variant is expected to result in nonsense mediated decay, truncation, or a dysfunctional protein product. This variant is rare in the general population with a frequency below the threshold expected for the associated phenotype(s). Given the available evidence, this variant is classified as Likely Pathogenic.